The following is an entry in ClinVar:

NM_017654.4(SAMD9):c.4091G>A (p.Cys1364Tyr)

Gene: SAMD9 (sterile alpha motif domain containing 9; minus strand). Cytogenetic location: 7q21.2.
Variant type: single nucleotide variant.
Coding change: c.4091G>A on transcript NM_017654.4 (MANE Select); coding-DNA position 4091, G replaced by A.
Protein change: p.Cys1364Tyr; replaces cysteine 1364 with tyrosine.
Molecular consequence: missense variant.
Genome position (GRCh38, 1-based): chr7:93,102,007, C>T on the plus strand (G>A on the coding strand, the complement: SAMD9 is on the minus strand). VCF-style: chr7-93102007-C-T. GRCh37 (hg19) VCF-style: chr7-92731320-C-T.
Other names: c.4091G>A, p.Cys1364Tyr (NM_001193307.2); short protein forms C1364Y.
Identifiers: ClinVar variation 3949676 (VCV003949676.1).
Genomic context (GRCh38, chr7:93,102,007, plus strand): 5'-TCTTTTGACTGGATTTTGACAGTGCATTGTTCTAAGAGAAAAGTATATTCGTTCACTATA[C>T]ATTTCATAGTGCTTATAGCATCCTCTTGACTTTTGATAAGATATTCCAAGAGCCCAGAAA-3'
Protein context (NP_060124.2, residues 1354-1374): SQEDAISTMK[Cys1364Tyr]IVNEYTFLLE

ClinVar aggregate classification (germline): Uncertain significance (1 of 4 stars; one submission).

Conditions:
Inborn genetic diseases. Identifiers: MedGen C0950123, MeSH D030342.

Submission:

Ambry Genetics
Classification: Uncertain significance for Inborn genetic diseases. Last evaluated: 2025-05-27. Review status: criteria provided, single submitter. Criteria: Ambry Variant Classification Scheme 2023. Collection method: clinical testing. Allele origin: germline.
Comment: The p.C1364Y variant (also known as c.4091G>A), located in coding exon 1 of the SAMD9 gene, results from a G to A substitution at nucleotide position 4091. The cysteine at codon 1364 is replaced by tyrosine, an amino acid with highly dissimilar properties. This amino acid position is conserved. In addition, this alteration is predicted to be tolerated by in silico analysis. Based on the available evidence, the clinical significance of this variant remains unclear.